The following is an entry in ClinVar:

ClinVar aggregate classification (germline): Likely benign. Review status: criteria provided, multiple submitters, no conflicts (2 of 4 stars). 2 submissions from 2 submitters: Likely benign (2). Last evaluated 2026-03-26.

Conditions:
Neonatal-onset encephalopathy with rigidity and seizures. Also called: Lethal neonatal spasticity-epileptic encephalopathy syndrome. Identifiers: Orphanet 435845, MedGen C3281029, MONDO:0013784, OMIM 614498.
BRAT1-related disorder. Also called: BRAT1-related condition; BRAT1-related disorders.

Allele frequency attached by ClinVar (database versions not stated): ExAC 0.00001; gnomAD exomes 0.00001; TOPMed 0.00001.
gnomAD v4.1: 6 of 1,611,226 alleles (0.00037%); highest among the groups gnomAD compares: South Asian, 0.0022%; no homozygotes.

Submissions (2):

PreventionGenetics, part of Exact Sciences
Classification: Likely benign for BRAT1-related condition. Last evaluated: 2026-03-26. Review status: criteria provided, single submitter. Criteria: ACMG Guidelines, 2015. Collection method: clinical testing. Allele origin: germline.
Comment: This variant is classified as likely benign based on ACMG/AMP sequence variant interpretation guidelines (Richards et al. 2015 PMID: 25741868, with internal and published modifications).

Labcorp Genetics (formerly Invitae), Labcorp
Classification: Likely benign for Neonatal-onset encephalopathy with rigidity and seizures. Last evaluated: 2025-12-09. Review status: criteria provided, single submitter. Criteria: Invitae Variant Classification Sherloc (09022015). Collection method: clinical testing. Allele origin: germline.

NM_152743.4(BRAT1):c.876C>T (p.Pro292=)

Gene: BRAT1 (BRCA1 associated ATM activator 1; minus strand). Cytogenetic location: 7p22.3.
Variant type: single nucleotide variant.
Coding change: c.876C>T on transcript NM_152743.4 (MANE Select); coding-DNA position 876, C replaced by T.
Protein change: p.Pro292=; no amino-acid change (proline 292 retained).
Molecular consequence: synonymous variant. On other transcripts: non-coding transcript variant (1).
Genome position (GRCh38, 1-based): chr7:2,543,251, G>A on the plus strand (C>T on the coding strand, the complement: BRAT1 is on the minus strand). VCF-style: chr7-2543251-G-A. GRCh37 (hg19) VCF-style: chr7-2582885-G-A.
Other names: c.876C>T, p.Pro292= (NM_001350626.2); c.351C>T, p.Pro117= (NM_001350627.2).
Identifiers: ClinVar variation 797487 (VCV000797487.10), dbSNP rs113279845, ClinGen allele CA4128030.